The following is an entry in ClinVar:

ClinVar aggregate classification (germline): Uncertain significance. Review status: criteria provided, multiple submitters, no conflicts (2 of 4 stars). 2 submissions from 2 submitters: Uncertain significance (2). Last evaluated 2024-06-10.

Conditions:
Familial thoracic aortic aneurysm and aortic dissection (TAAD). Also called: Thoracic aortic aneurysms and dissections. Identifiers: Orphanet 91387, MedGen C4707243, MONDO:0019625.
Ehlers-Danlos syndrome, type 4 (EDSVASC). Also called: Ehlers-Danlos Syndrome Type IV; Ehlers-Danlos syndrome vascular type; Ehlers Danlos syndrome, ecchymotic type; Ehlers Danlos syndrome, arterial type; Ehlers Danlos syndrome, Sack-Barabas type. Identifiers: Orphanet 286, MedGen C0268338, MONDO:0017314, OMIM 130050.

Allele frequency attached by ClinVar (database versions not stated): gnomAD exomes below 0.00001; gnomAD 0.00001; TOPMed 0.00001.
gnomAD v4.1: 3 of 1,568,258 alleles (0.00019%); highest among the groups gnomAD compares: Non-Finnish European, 0.00026%; no homozygotes.

Submissions (2):

All of Us Research Program, National Institutes of Health
Classification: Uncertain significance for Ehlers-Danlos syndrome, type 4. Last evaluated: 2024-06-10. Review status: criteria provided, single submitter. Criteria: ACMG Guidelines, 2015. Collection method: clinical testing. Allele origin: germline. Inheritance: Autosomal dominant inheritance. Observed: 4 variant alleles, 4 heterozygotes.
Comment: This missense variant replaces alanine with threonine at codon 520 of the COL3A1 protein. Computational prediction suggests that this variant may not impact protein structure and function (internally defined REVEL score threshold <= 0.5, PMID: 27666373). To our knowledge, functional studies have not been reported for this variant. This variant has not been reported in individuals affected with cardiovascular disorders in the literature. This variant has not been identified in the general population by the Genome Aggregation Database (gnomAD). The available evidence is insufficient to determine the role of this variant in disease conclusively. Therefore, this variant is classified as a Variant of Uncertain Significance.

This study involves interpretation of variants in research participants for the purpose of population health screening. Participant phenotype was not available at the time of variant classification. Additional details can be found in publication PMID: 35346344, PMCID: PMC8962531

Color Diagnostics, LLC DBA Color Health
Classification: Uncertain significance for Familial thoracic aortic aneurysm and aortic dissection. Last evaluated: 2024-03-07. Review status: criteria provided, single submitter. Criteria: ACMG Guidelines, 2015. Collection method: clinical testing. Allele origin: germline.
Comment: This missense variant replaces alanine with threonine at codon 520 of the COL3A1 protein. Computational prediction suggests that this variant may not impact protein structure and function. To our knowledge, functional studies have not been reported for this variant. This variant has not been reported in individuals affected with COL3A1-related disorders in the literature. This variant has not been identified in the general population by the Genome Aggregation Database (gnomAD). The available evidence is insufficient to determine the role of this variant in disease conclusively. Therefore, this variant is classified as a Variant of Uncertain Significance.

NM_000090.4(COL3A1):c.1558G>A (p.Ala520Thr)

Gene: COL3A1 (collagen type III alpha 1 chain; plus strand). Cytogenetic location: 2q32.2.
Variant type: single nucleotide variant.
Coding change: c.1558G>A on transcript NM_000090.4 (MANE Select); coding-DNA position 1558, G replaced by A.
Protein change: p.Ala520Thr; replaces alanine 520 with threonine.
Molecular consequence: missense variant.
Genome position (GRCh38, 1-based): chr2:188,995,740, G>A. VCF-style: chr2-188995740-G-A. GRCh37 (hg19) VCF-style: chr2-189860466-G-A.
Other names: short protein forms A520T.
Identifiers: ClinVar variation 920350 (VCV000920350.7), dbSNP rs1410374684, ClinGen allele CA349852173.